The following is an entry in ClinVar:

ClinVar aggregate classification (germline): Uncertain significance (1 of 4 stars; one submission).

gnomAD v4.1: 2 of 1,613,168 alleles (0.00012%); highest among the groups gnomAD compares: Non-Finnish European, 0.000085%; no homozygotes.

Submission:

Ambry Genetics
Classification: Uncertain significance. Last evaluated: 2024-11-17. Review status: criteria provided, single submitter. Criteria: Ambry Variant Classification Scheme 2023. Collection method: clinical testing. Allele origin: germline.
Comment: The p.Q159R variant (also known as c.476A>G), located in coding exon 3 of the ATRIP gene, results from an A to G substitution at nucleotide position 476. The glutamine at codon 159 is replaced by arginine, an amino acid with highly similar properties. This amino acid position is conserved. In addition, the in silico prediction for this alteration is inconclusive. Based on the available evidence, the clinical significance of this variant remains unclear.

NM_130384.3(ATRIP):c.476A>G (p.Gln159Arg)

Genes: ATRIP (ATR interacting protein; plus strand), ATRIP-TREX1 (ATRIP-TREX1 readthrough; plus strand). Cytogenetic location: 3p21.31.
Variant type: single nucleotide variant.
Coding change: c.476A>G on transcript NM_130384.3 (MANE Select); coding-DNA position 476, A replaced by G.
Protein change: p.Gln159Arg; replaces glutamine 159 with arginine.
Molecular consequence: missense variant. On other transcripts: non-coding transcript variant (1).
Genome position (GRCh38, 1-based): chr3:48,451,823, A>G. VCF-style: chr3-48451823-A-G. GRCh37 (hg19) VCF-style: chr3-48493229-A-G.
Other names: c.95A>G, p.Gln32Arg (NM_001271022.2); c.197A>G, p.Gln66Arg (NM_001271023.2); c.476A>G, p.Gln159Arg (NM_032166.4); short protein forms Q32R, Q159R, Q66R.
Identifiers: ClinVar variation 3463898 (VCV003463898.1).